The following is an entry in ClinVar:

ClinVar aggregate classification (germline): Likely pathogenic (1 of 4 stars; one submission).

Conditions:
Phenylketonuria (PKU). Also called: OLIGOPHRENIA PHENYLPYRUVICA; Phenylketonurias; Phenylketonuria (PKU); FOLLING DISEASE. Identifiers: Orphanet 716, MedGen C0031485, MONDO:0009861, OMIM 261600. Disease mechanism: loss of function.

Submission:

Labcorp Genetics (formerly Invitae), Labcorp
Classification: Likely pathogenic for Phenylketonuria. Last evaluated: 2022-07-06. Review status: criteria provided, single submitter. Criteria: Invitae Variant Classification Sherloc (09022015). Collection method: clinical testing. Allele origin: germline.
Comment: In summary, the currently available evidence indicates that the variant is pathogenic, but additional data are needed to prove that conclusively. Therefore, this variant has been classified as Likely Pathogenic. This variant has not been reported in the literature in individuals affected with PAH-related conditions. This variant results in a copy number gain of the genomic region encompassing exon(s) 5 of the PAH gene. While the exact position of this variant cannot be determined from the data, sub-genic copy number gains are generally in tandem (PMID: 25640679). This variant is predicted to be out-of-frame, and may result in an absent or disrupted protein product. Loss-of-function variants in PAH are known to be pathogenic (PMID: 1301187, 9634518).

Literature cited by the submitters: PubMed 25640679; PubMed 1301187; PubMed 9634518.

NC_000012.11:g.(?_103260354)_(103260461_?)dup

Gene: PAH (phenylalanine hydroxylase; minus strand). Cytogenetic location: 12q23.2.
Variant type: Duplication.
Identifiers: ClinVar variation 2422789 (VCV002422789.4).